The following is an entry in ClinVar:

ClinVar aggregate classification (germline): Uncertain significance (1 of 4 stars; one submission).

Submission:

Labcorp Genetics (formerly Invitae), Labcorp
Classification: Uncertain significance. Last evaluated: 2024-01-03. Review status: criteria provided, single submitter. Criteria: Invitae Variant Classification Sherloc (09022015). Collection method: clinical testing. Allele origin: germline.
Comment: This sequence change replaces alanine, which is neutral and non-polar, with isoleucine, which is neutral and non-polar, at codon 370 of the COX10 protein (p.Ala370Ile). This variant is present in population databases (no rsID available, gnomAD 0.006%). This variant has not been reported in the literature in individuals affected with COX10-related conditions. An algorithm developed to predict the effect of missense changes on protein structure and function (PolyPhen-2) suggests that this variant¬¨‚Ä†is likely to be tolerated. In summary, the available evidence is currently insufficient to determine the role of this variant in disease. Therefore, it has been classified as a Variant of Uncertain Significance.

NM_001303.4(COX10):c.1108_1109delinsAT (p.Ala370Ile)

Gene: COX10 (cytochrome c oxidase assembly factor heme A:farnesyltransferase COX10; plus strand). Cytogenetic location: 17p12.
Variant type: Indel.
Coding change: c.1108_1109delinsAT on transcript NM_001303.4 (MANE Select); coding-DNA positions 1108 to 1109, GC replaced by AT.
Protein change: p.Ala370Ile; replaces alanine 370 with isoleucine.
Molecular consequence: missense variant.
Genome position (GRCh38, 1-based): chr17:14,206,989-14,206,990, GC replaced by AT. VCF-style: chr17-14206989-GC-AT. GRCh37 (hg19) VCF-style: chr17-14110306-GC-AT.
Other names: short protein forms A370I.
Identifiers: ClinVar variation 2891572 (VCV002891572.2), dbSNP rs2508551341, ClinGen allele CA2739267165.
Genomic context (GRCh38, chr17:14,206,989, plus strand): 5'-CCGGGCCTGTGCCGGCGCGTGGCGCTGCGCCACTGCCTGGCCCTGCTCGTGCTGTCCGCA[GC>AT]AGCCCCTGTGCTGGACATCACCACATGGACCTTCCCCATCATGGCCCTTCCCATCAATGC-3'
Protein context (NP_001294.2, residues 360-380): HCLALLVLSA[Ala370Ile]APVLDITTWT